The following is an entry in ClinVar:

ClinVar aggregate classification (germline): Likely pathogenic (1 of 4 stars; one submission).

Conditions:
Tuberous sclerosis 2 (TSC2). Identifiers: Orphanet 805, MedGen C1860707, MONDO:0013199, OMIM 613254.

Submission:

3billion
Classification: Likely pathogenic for Tuberous sclerosis 2. Last evaluated: 2023-02-23. Review status: criteria provided, single submitter. Criteria: ACMG Guidelines, 2015. Collection method: clinical testing. Allele origin: unknown. Affected: yes.
Comment: The variant is not observed in the gnomAD v2.1.1 dataset. This variant was predicted to result in a loss or disruption of normal protein function through nonsense-mediated decay (NMD) or protein truncation. Multiple pathogenic variants are reported downstream of the variant. Therefore, this variant is classified as Likely pathogenic according to the recommendation of ACMG/AMP guideline.

NM_000548.5(TSC2):c.1659C>A (p.Tyr553Ter)

Gene: TSC2 (TSC complex subunit 2; plus strand). Cytogenetic location: 16p13.3.
Variant type: single nucleotide variant.
Coding change: c.1659C>A on transcript NM_000548.5 (MANE Select); coding-DNA position 1659, C replaced by A.
Protein change: p.Tyr553Ter; replaces tyrosine 553 with a stop codon.
Molecular consequence: nonsense.
Genome position (GRCh38, 1-based): chr16:2,065,578, C>A. VCF-style: chr16-2065578-C-A. GRCh37 (hg19) VCF-style: chr16-2115579-C-A.
Other names: c.1197C>A, p.Tyr399Ter (NM_001406681.1); c.1059C>A, p.Tyr353Ter (NM_001406682.1, NM_001406683.1, NM_001406684.1 and 6 more transcripts); c.315C>A, p.Tyr105Ter (NM_001406689.1, NM_001406690.1, NM_001406691.1 and 6 more transcripts); c.57C>A, p.Tyr19Ter (NM_001406698.1); c.1659C>A, p.Tyr553Ter (NM_021055.3, NM_001363528.2, NM_001370404.1 and 6 more transcripts); c.1749C>A, p.Tyr583Ter (NM_001406668.1, NM_001406667.1); c.1548C>A, p.Tyr516Ter (NM_001406670.1, NM_001406678.1, NM_001318827.2); c.1647C>A, p.Tyr549Ter (NM_001406671.1, NM_001406673.1); and 3 more; short protein forms Y105*, Y19*, Y353*, Y399*, Y504*, Y516*, Y534*, Y549*.
Identifiers: ClinVar variation 2444425 (VCV002444425.1), dbSNP rs1358358656, ClinGen allele CA394268056.
Genomic context (GRCh38, chr16:2,065,578, plus strand): 5'-GGTGATGGCCCGCTCCCTCTCCCCACCCCCGGAGCTGGAAGAAAGGGATGTGGCCGCATA[C>A]TCGGCCTCCTTGGAGGATGTGAAGACAGCCGTCCTGGGGCTTCTGGTCATCCTTCAGGTG-3'